The following is an entry in ClinVar:

NM_001013838.3(CARMIL2):c.3025C>T (p.Leu1009=)

Gene: CARMIL2 (capping protein regulator and myosin 1 linker 2; plus strand). Cytogenetic location: 16q22.1.
Variant type: single nucleotide variant.
Coding change: c.3025C>T on transcript NM_001013838.3 (MANE Select); coding-DNA position 3025, C replaced by T.
Protein change: p.Leu1009=; no amino-acid change (leucine 1009 retained).
Molecular consequence: synonymous variant.
Genome position (GRCh38, 1-based): chr16:67,653,159, C>T. VCF-style: chr16-67653159-C-T. GRCh37 (hg19) VCF-style: chr16-67687062-C-T.
Other names: c.2917C>T, p.Leu973= (NM_001317026.3).
Identifiers: ClinVar variation 1970431 (VCV001970431.29), dbSNP rs911658841, ClinGen allele CA283210342.
Genomic context (GRCh38, chr16:67,653,159, plus strand): 5'-CGCGGCTCTCCGAGCCCTGCCGCCCCTGGGCCCCCGGCCGGCCCGCTGCCCCGCATGGAC[C>T]TGCCACTGGCGGGGCAGCCCCTGCGCCATCCGACCCGGGCCCGGCCGCGGCCGCGCCGCC-3'
Protein context (NP_001013860.1, residues 999-1019): PPAGPLPRMD[Leu1009=]PLAGQPLRHP

ClinVar aggregate classification (germline): Likely benign. Review status: criteria provided, multiple submitters, no conflicts (2 of 4 stars). 2 submissions from 2 submitters: Likely benign (2). Last evaluated 2025-12-31.

Allele frequency attached by ClinVar (database versions not stated): gnomAD 0.00001; TOPMed 0.00001; gnomAD exomes 0.00009.
gnomAD v4.1: 82 of 1,108,178 alleles (0.0074%); highest among the groups gnomAD compares: Non-Finnish European, 0.0089%; no homozygotes.

Submissions (2):

Labcorp Genetics (formerly Invitae), Labcorp
Classification: Likely benign. Last evaluated: 2025-12-31. Review status: criteria provided, single submitter. Criteria: Invitae Variant Classification Sherloc (09022015). Collection method: clinical testing. Allele origin: germline.

CeGaT Center for Human Genetics Tuebingen
Classification: Likely benign. Last evaluated: 2023-05-01. Review status: criteria provided, single submitter. Criteria: CeGaT Center For Human Genetics Tuebingen Variant Classification Criteria Version 2. Collection method: clinical testing. Allele origin: germline. Affected: yes. Observed: 1 variant allele.
Comment: CARMIL2: BP4, BP7